The following is an entry in ClinVar:

NM_001312673.2(PCYT1A):c.996dup (p.Ser333fs)

Gene: PCYT1A (phosphate cytidylyltransferase 1A, choline; minus strand). Cytogenetic location: 3q29.
Variant type: Duplication.
Coding change: c.996dup on transcript NM_001312673.2 (MANE Select); coding-DNA position 996, one base duplicated (C; older notation c.996dupC).
Protein change: p.Ser333fs; shifts the reading frame from serine 333.
Molecular consequence: frameshift variant.
Genome position (GRCh38, 1-based): chr3:196,238,796, G duplicated on the plus strand (C on the coding strand, the reverse complement: PCYT1A is on the minus strand); the first of 5 consecutive G bases (chr3:196,238,796-196,238,800); duplicating any one gives the same sequence. VCF-style (leftmost placement, unchanged base first): chr3-196238795-A-AG. GRCh37 (hg19) VCF-style: chr3-195965666-A-AG.
Other names: c.996dup, p.Ser333fs (NM_005017.4); short protein forms S333fs.
Identifiers: ClinVar variation 2052147 (VCV002052147.4), dbSNP rs757164118, ClinGen allele CA2779356.

ClinVar aggregate classification (germline): Uncertain significance (1 of 4 stars; one submission).

Submission:

Labcorp Genetics (formerly Invitae), Labcorp
Classification: Uncertain significance. Last evaluated: 2023-02-21. Review status: criteria provided, single submitter. Criteria: Invitae Variant Classification Sherloc (09022015). Collection method: clinical testing. Allele origin: germline.
Comment: This sequence change creates a premature translational stop signal (p.Ser333Leufs*28) in the PCYT1A gene. While this is not anticipated to result in nonsense mediated decay, it is expected to disrupt the last 35 amino acid(s) of the PCYT1A protein. This variant is present in population databases (rs757164118, gnomAD 0.002%). This variant has not been reported in the literature in individuals affected with PCYT1A-related conditions. In summary, the available evidence is currently insufficient to determine the role of this variant in disease. Therefore, it has been classified as a Variant of Uncertain Significance.